The following is an entry in ClinVar:

ClinVar aggregate classification (germline): Uncertain significance (1 of 4 stars; one submission).

Conditions:
Autosomal recessive limb-girdle muscular dystrophy type 2J (LGMDR10). Also called: Limb-girdle muscular dystrophy, type 2J; MUSCULAR DYSTROPHY, LIMB-GIRDLE, AUTOSOMAL RECESSIVE 10. Identifiers: Orphanet 140922, MedGen C1837342, MONDO:0012127, OMIM 608807.
Dilated cardiomyopathy 1G (CMD1G). Identifiers: Orphanet 154, MedGen C1858763, MONDO:0011400, OMIM 604145.

Allele frequency attached by ClinVar (database versions not stated): ExAC 0.00001.

Submission:

Labcorp Genetics (formerly Invitae), Labcorp
Classification: Uncertain significance for Dilated cardiomyopathy 1G; Autosomal recessive limb-girdle muscular dystrophy type 2J. Last evaluated: 2023-11-01. Review status: criteria provided, single submitter. Criteria: Invitae Variant Classification Sherloc (09022015). Collection method: clinical testing. Allele origin: germline.
Comment: This sequence change creates a premature translational stop signal (p.Glu1037*) in the TTN gene. While this is not anticipated to result in nonsense mediated decay, it is expected to create a truncated TTN protein. This variant is present in population databases (rs768871432, gnomAD 0.0009%). This variant has not been reported in the literature in individuals affected with TTN-related conditions. This variant is located in the Z band of TTN (PMID: 25589632). Variants in this region may be clinically relevant, but have not been definitively shown to cause cardiomyopathy or neuromuscular disease (PMID: 27493940, 32778822). In summary, the available evidence is currently insufficient to determine the role of this variant in disease. Therefore, it has been classified as a Variant of Uncertain Significance.

Literature cited by the submitters: PubMed 25589632; PubMed 27493940; PubMed 32778822.

NM_001267550.2(TTN):c.3109G>T (p.Glu1037Ter)

Gene: TTN (titin; minus strand). Cytogenetic location: 2q31.2.
Variant type: single nucleotide variant.
Coding change: c.3109G>T on transcript NM_001267550.2 (MANE Select); coding-DNA position 3109, G replaced by T.
Protein change: p.Glu1037Ter; replaces glutamic acid 1037 with a stop codon.
Molecular consequence: nonsense.
Genome position (GRCh38, 1-based): chr2:178,782,594, C>A on the plus strand (G>T on the coding strand, the complement: TTN is on the minus strand). VCF-style: chr2-178782594-C-A. GRCh37 (hg19) VCF-style: chr2-179647321-C-A.
Other names: c.3109G>T, p.Glu1037Ter (NM_001256850.1, NM_133378.4, NM_133379.5); c.2971G>T, p.Glu991Ter (NM_003319.4, NM_133432.3, NM_133437.4); short protein forms E1037*, E991*.
Identifiers: ClinVar variation 2953465 (VCV002953465.3), dbSNP rs768871432, ClinGen allele CA2005633.